The following is an entry in ClinVar:

NM_001353108.3(CEP63):c.611C>G (p.Ser204Ter)

Gene: CEP63 (centrosomal protein 63; plus strand). Cytogenetic location: 3q22.2.
Variant type: single nucleotide variant.
Coding change: c.611C>G on transcript NM_001353108.3 (MANE Select); coding-DNA position 611, C replaced by G.
Protein change: p.Ser204Ter; replaces serine 204 with a stop codon.
Molecular consequence: nonsense. On other transcripts: non-coding transcript variant (4).
Genome position (GRCh38, 1-based): chr3:134,545,641, C>G. VCF-style: chr3-134545641-C-G. GRCh37 (hg19) VCF-style: chr3-134264483-C-G.
Other names: c.611C>G, p.Ser204Ter (NM_001042383.2, NM_001042384.2, NM_001042400.3 and 13 more transcripts); c.638C>G, p.Ser213Ter (NM_001353118.1); c.527C>G, p.Ser176Ter (NM_001353125.2); c.248C>G, p.Ser83Ter (NM_001353126.2); short protein forms S176*, S204*, S213*, S83*.
Identifiers: ClinVar variation 5018755 (VCV005018755.1).

ClinVar aggregate classification (germline): Likely pathogenic (1 of 4 stars; one submission).

Conditions:
Seckel syndrome 6 (SCKL6). Identifiers: MedGen C3553582, MONDO:0013871, OMIM 614728.

Submission:

Juno Genomics, Hangzhou Juno Genomics, Inc
Classification: Likely pathogenic for Seckel syndrome 6. Review status: criteria provided, single submitter. Criteria: ACMG Guidelines, 2015. Collection method: clinical testing. Allele origin: germline. Affected: yes.
Comment: Absent from controls (or at extremely low frequency if recessive) in Genome Aggregation Database.;Null variant in a gene where loss of function (LOF) is a known mechanism of disease.